The following is an entry in ClinVar:

NM_022716.4(PRRX1):c.529C>G (p.Gln177Glu)

Gene: PRRX1 (paired related homeobox 1; plus strand). Cytogenetic location: 1q24.2.
Variant type: single nucleotide variant.
Coding change: c.529C>G on transcript NM_022716.4 (MANE Select); coding-DNA position 529, C replaced by G.
Protein change: p.Gln177Glu; replaces glutamine 177 with glutamic acid.
Molecular consequence: missense variant.
Genome position (GRCh38, 1-based): chr1:170,726,331, C>G. VCF-style: chr1-170726331-C-G. GRCh37 (hg19) VCF-style: chr1-170695472-C-G.
Other names: c.529C>G, p.Gln177Glu (NM_006902.5); short protein forms Q177E.
Identifiers: ClinVar variation 2629003 (VCV002629003.1), dbSNP rs771291245, ClinGen allele CA1239544.
Genomic context (GRCh38, chr1:170,726,331, plus strand): 5'-CTAGCCAATAAAAACGCTTCCCTCCTCAAATCCTACTCAGGAGACGTGACTGCTGTGGAG[C>G]AGCCCATCGTACCTCGTCCTGCTCCGAGACCCACCGATTATCTCTCCTGGGGGACAGCGT-3'
Protein context (NP_073207.1, residues 167-187): SYSGDVTAVE[Gln177Glu]PIVPRPAPRP

ClinVar aggregate classification (germline): Uncertain significance (1 of 4 stars; one submission).

Conditions:
PRRX1-related disorder. Also called: PRRX1-related condition.

Allele frequency attached by ClinVar (database versions not stated): ExAC 0.00001; gnomAD exomes 0.00002; gnomAD 0.00003; TOPMed 0.00003.
gnomAD v4.1: 35 of 1,613,980 alleles (0.0022%); highest among the groups gnomAD compares: Non-Finnish European, 0.0026%; no homozygotes.

Submission:

PreventionGenetics, part of Exact Sciences
Classification: Uncertain significance for PRRX1-related condition. Last evaluated: 2023-02-14. Review status: criteria provided, single submitter. Criteria: ACMG Guidelines, 2015. Collection method: clinical testing. Allele origin: germline.
Comment: The PRRX1 c.529C>G variant is predicted to result in the amino acid substitution p.Gln177Glu. This variant was reported in an individual with Atrial fibrillation, increased susceptibility (Table S1, Lin et al 2014. PubMed ID: 24239840). This variant is reported in 0.0015% of alleles in individuals of European (Non-Finnish) descent in gnomAD. At this time, the clinical significance of this variant is uncertain due to the absence of conclusive functional and genetic evidence.